The following is an entry in ClinVar:

NM_004360.5(CDH1):c.2439+4A>T

Gene: CDH1 (cadherin 1; plus strand). Cytogenetic location: 16q22.1.
Variant type: single nucleotide variant.
Coding change: c.2439+4A>T on transcript NM_004360.5 (MANE Select); 4 bases into the intron after coding-DNA position 2439, A replaced by T.
Molecular consequence: intron variant.
Genome position (GRCh38, 1-based): chr16:68,829,801, A>T. VCF-style: chr16-68829801-A-T. GRCh37 (hg19) VCF-style: chr16-68863704-A-T.
Other names: c.891+4A>T (NM_001317185.2); c.474+4A>T (NM_001317186.2); c.2256+4A>T (NM_001317184.2).
Identifiers: ClinVar variation 2129602 (VCV002129602.4), dbSNP rs2543957619, ClinGen allele CA2580091848.

ClinVar aggregate classification (germline): Uncertain significance (1 of 4 stars; one submission).

Conditions:
Hereditary diffuse gastric adenocarcinoma (HDGC). Also called: DIFFUSE GASTRIC AND LOBULAR BREAST CANCER SYNDROME. Identifiers: Orphanet 26106, MedGen C1708349, MONDO:0007648, OMIM 137215.

Submission:

Labcorp Genetics (formerly Invitae), Labcorp
Classification: Uncertain significance for Hereditary diffuse gastric adenocarcinoma. Last evaluated: 2022-04-23. Review status: criteria provided, single submitter. Criteria: Invitae Variant Classification Sherloc (09022015). Collection method: clinical testing. Allele origin: germline.
Comment: This sequence change falls in intron 15 of the CDH1 gene. It does not directly change the encoded amino acid sequence of the CDH1 protein. It affects a nucleotide within the consensus splice site. This variant is not present in population databases (gnomAD no frequency). This variant has not been reported in the literature in individuals affected with CDH1-related conditions. Variants that disrupt the consensus splice site are a relatively common cause of aberrant splicing (PMID: 17576681, 9536098). Algorithms developed to predict the effect of sequence changes on RNA splicing suggest that this variant may create or strengthen a splice site. In summary, the available evidence is currently insufficient to determine the role of this variant in disease. Therefore, it has been classified as a Variant of Uncertain Significance.

Literature cited by the submitters: PubMed 17576681; PubMed 9536098.